The following is an entry in ClinVar:

ClinVar aggregate classification (germline): Uncertain significance. Review status: criteria provided, multiple submitters, no conflicts (2 of 4 stars). 2 submissions from 2 submitters: Uncertain significance (2). Last evaluated 2024-03-22.

Conditions:
Amyotrophic lateral sclerosis type 10 (ALS10). Also called: AMYOTROPHIC LATERAL SCLEROSIS 10 WITHOUT FRONTOTEMPORAL DEMENTIA AND WITH TDP43 INCLUSIONS; AMYOTROPHIC LATERAL SCLEROSIS 10 WITH OR WITHOUT FRONTOTEMPORAL DEMENTIA AND WITH TDP43 INCLUSIONS; AMYOTROPHIC LATERAL SCLEROSIS 10 WITH OR WITHOUT FRONTOTEMPORAL DEMENTIA; TARDBP-Related Amyotrophic Lateral Sclerosis-Frontotemporal Dementia; Amyotrophic lateral sclerosis 10, with or without FTD. Identifiers: Orphanet 275872, Orphanet 803, MedGen C2677565, MONDO:0012790, OMIM 612069.
FRONTOTEMPORAL LOBAR DEGENERATION WITH TDP43 INCLUSIONS, TARDBP-RELATED. Also called: Frontotemporal lobar degeneration, TARDBP-related. Identifiers: MedGen C3150169, OMIM 612069.

Submissions (2):

Institute of Medical Genetics and Applied Genomics, University Hospital Tübingen
Classification: Uncertain significance for Amyotrophic lateral sclerosis type 10. Last evaluated: 2024-03-22. Review status: criteria provided, single submitter. Criteria: ACMG Guidelines, 2015. Collection method: clinical testing. Allele origin: germline. Inheritance: Autosomal dominant inheritance. Affected: yes.

Labcorp Genetics (formerly Invitae), Labcorp
Classification: Uncertain significance for Amyotrophic lateral sclerosis type 10; FRONTOTEMPORAL LOBAR DEGENERATION WITH TDP43 INCLUSIONS, TARDBP-RELATED. Last evaluated: 2022-06-16. Review status: criteria provided, single submitter. Criteria: Invitae Variant Classification Sherloc (09022015). Collection method: clinical testing. Allele origin: germline.
Comment: Experimental studies and prediction algorithms are not available or were not evaluated, and the functional significance of this variant is currently unknown. In summary, the available evidence is currently insufficient to determine the role of this variant in disease. Therefore, it has been classified as a Variant of Uncertain Significance. This premature translational stop signal has been observed in individual(s) with clinical features of amyotrophic lateral sclerosis (Invitae). This sequence change creates a premature translational stop signal (p.Asn378*) in the TARDBP gene. While this is not anticipated to result in nonsense mediated decay, it is expected to disrupt the last 37 amino acid(s) of the TARDBP protein. This variant is not present in population databases (gnomAD no frequency).

NM_007375.4(TARDBP):c.1131dup (p.Asn378Ter)

Gene: TARDBP (TAR DNA binding protein; plus strand). Cytogenetic location: 1p36.22.
Variant type: Duplication.
Coding change: c.1131dup on transcript NM_007375.4 (MANE Select); coding-DNA position 1131, one base duplicated (T; older notation c.1131dupT).
Protein change: p.Asn378Ter; replaces asparagine 378 with a stop codon.
Molecular consequence: nonsense.
Genome position (GRCh38, 1-based): chr1:11,022,540, T duplicated. VCF-style (leftmost placement, unchanged base first): chr1-11022539-C-CT. GRCh37 (hg19) VCF-style: chr1-11082596-C-CT.
Other names: short protein forms N378*.
Identifiers: ClinVar variation 2007386 (VCV002007386.5), dbSNP rs2521343345, ClinGen allele CA2580060484.